The following is an entry in ClinVar:

ClinVar aggregate classification (germline): Uncertain significance. Review status: criteria provided, multiple submitters, no conflicts (2 of 4 stars). 2 submissions from 2 submitters: Uncertain significance (2). Last evaluated 2023-08-19.

Conditions:
Hereditary cancer-predisposing syndrome. Also called: Hereditary Cancer Syndrome; Neoplastic Syndromes, Hereditary; Hereditary neoplastic syndrome; Tumor predisposition. Identifiers: Orphanet 140162, MedGen C0027672, MeSH D009386, MONDO:0015356.
Birt-Hogg-Dube syndrome. Also called: Birt Hogg Dubé syndrome. Identifiers: Orphanet 122, MedGen C0346010, MONDO:0800444.

Allele frequency attached by ClinVar (database versions not stated): gnomAD exomes below 0.00001.
gnomAD v4.1: 1 of 1,614,168 alleles (0.000062%); highest among the groups gnomAD compares: Non-Finnish European, 0.000085%; no homozygotes.

Submissions (2):

Labcorp Genetics (formerly Invitae), Labcorp
Classification: Uncertain significance for Birt-Hogg-Dube syndrome. Last evaluated: 2023-08-19. Review status: criteria provided, single submitter. Criteria: Invitae Variant Classification Sherloc (09022015). Collection method: clinical testing. Allele origin: germline.
Comment: In summary, the available evidence is currently insufficient to determine the role of this variant in disease. Therefore, it has been classified as a Variant of Uncertain Significance. Advanced modeling of protein sequence and biophysical properties (such as structural, functional, and spatial information, amino acid conservation, physicochemical variation, residue mobility, and thermodynamic stability) performed at Invitae indicates that this missense variant is not expected to disrupt FLCN protein function. ClinVar contains an entry for this variant (Variation ID: 819282). This variant has not been reported in the literature in individuals affected with FLCN-related conditions. This variant is not present in population databases (gnomAD no frequency). This sequence change replaces alanine, which is neutral and non-polar, with threonine, which is neutral and polar, at codon 488 of the FLCN protein (p.Ala488Thr).

Ambry Genetics
Classification: Uncertain significance for Hereditary cancer-predisposing syndrome. Last evaluated: 2019-11-15. Review status: criteria provided, single submitter. Criteria: Ambry Variant Classification Scheme 2023. Collection method: clinical testing. Allele origin: germline.
Comment: The p.A488T variant (also known as c.1462G>A), located in coding exon 10 of the FLCN gene, results from a G to A substitution at nucleotide position 1462. The alanine at codon 488 is replaced by threonine, an amino acid with similar properties. This amino acid position is well conserved in available vertebrate species. In addition, the in silico prediction for this alteration is inconclusive. Since supporting evidence is limited at this time, the clinical significance of this alteration remains unclear.

NM_144997.7(FLCN):c.1462G>A (p.Ala488Thr)

Gene: FLCN (folliculin; minus strand). Cytogenetic location: 17p11.2.
Variant type: single nucleotide variant.
Coding change: c.1462G>A on transcript NM_144997.7 (MANE Select); coding-DNA position 1462, G replaced by A.
Protein change: p.Ala488Thr; replaces alanine 488 with threonine.
Molecular consequence: missense variant.
Genome position (GRCh38, 1-based): chr17:17,215,061, C>T on the plus strand (G>A on the coding strand, the complement: FLCN is on the minus strand). VCF-style: chr17-17215061-C-T. GRCh37 (hg19) VCF-style: chr17-17118375-C-T.
Other names: c.1516G>A, p.Ala506Thr (NM_001353229.2); c.1462G>A, p.Ala488Thr (NM_001353230.2, NM_001353231.2); short protein forms A506T, A488T.
Identifiers: ClinVar variation 819282 (VCV000819282.12), dbSNP rs1597578917, ClinGen allele CA398530963.